The following is an entry in ClinVar:

ClinVar aggregate classification (germline): Uncertain significance (1 of 4 stars; one submission).

gnomAD v4.1: 1 of 1,613,144 alleles (0.000062%); highest among the groups gnomAD compares: Non-Finnish European, 0.000085%; no homozygotes.

Submission:

Labcorp Genetics (formerly Invitae), Labcorp
Classification: Uncertain significance. Last evaluated: 2025-10-22. Review status: criteria provided, single submitter. Criteria: Invitae Variant Classification Sherloc (09022015). Collection method: clinical testing. Allele origin: germline.
Comment: This sequence change replaces aspartic acid, which is acidic and polar, with glycine, which is neutral and non-polar, at codon 1501 of the CCDC88C protein (p.Asp1501Gly). This variant is not present in population databases (gnomAD no frequency). This variant has not been reported in the literature in individuals affected with CCDC88C-related conditions. An algorithm developed to predict the effect of missense changes on protein structure and function (PolyPhen-2) suggests that this variant is likely to be tolerated. In summary, the available evidence is currently insufficient to determine the role of this variant in disease. Therefore, it has been classified as a Variant of Uncertain Significance.

NM_001080414.4(CCDC88C):c.4502A>G (p.Asp1501Gly)

Gene: CCDC88C (coiled-coil and HOOK domain protein 88C; minus strand). Cytogenetic location: 14q32.11.
Variant type: single nucleotide variant.
Coding change: c.4502A>G on transcript NM_001080414.4 (MANE Select); coding-DNA position 4502, A replaced by G.
Protein change: p.Asp1501Gly; replaces aspartic acid 1501 with glycine.
Molecular consequence: missense variant. On other transcripts: non-coding transcript variant (2).
Genome position (GRCh38, 1-based): chr14:91,283,457, T>C on the plus strand (A>G on the coding strand, the complement: CCDC88C is on the minus strand). VCF-style: chr14-91283457-T-C. GRCh37 (hg19) VCF-style: chr14-91749801-T-C.
Other names: short protein forms D1501G.
Identifiers: ClinVar variation 4735489 (VCV004735489.1).
Genomic context (GRCh38, chr14:91,283,457, plus strand): 5'-GAGCAAGTCCGGGAGCCCAGCTCCGAGGGCCAGGACCTCATGGCCAGATCGGTGGAGGCA[T>C]CTGTGCGGTCAAGGCTGCCTCTGTGTGGGGAGCCTCGCTTTGGTTTTAGATCCCCAGGGC-3'
Protein context (NP_001073883.2, residues 1491-1511): SPHRGSLDRT[Asp1501Gly]ASTDLAMRSW